The following is an entry in ClinVar:

ClinVar aggregate classification (germline): Conflicting classifications of pathogenicity. Review status: criteria provided, conflicting classifications (1 of 4 stars). 2 submissions from 2 submitters: Uncertain significance (1); Likely benign (1). Last evaluated 2023-03-23.

Conditions:
Hereditary cancer-predisposing syndrome. Also called: Hereditary Cancer Syndrome; Hereditary neoplastic syndrome; Neoplastic Syndromes, Hereditary; Tumor predisposition. Identifiers: Orphanet 140162, MedGen C0027672, MeSH D009386, MONDO:0015356.

Submissions (2):

University of Washington Department of Laboratory Medicine, University of Washington
Classification: Likely benign for Hereditary cancer-predisposing syndrome. Last evaluated: 2023-03-23. Review status: criteria provided, single submitter. Criteria: Dines et al. (Genet Med. 2020). Collection method: curation. Allele origin: germline.
Comment: Missense variant in a coldspot region where missense variants are very unlikely to be pathogenic (PMID:31911673).

BRCA2 exon 11 coldspot. Reclassification based on statistical prior probability.

Ambry Genetics
Classification: Uncertain significance for Hereditary cancer-predisposing syndrome. Last evaluated: 2016-07-15. Review status: criteria provided, single submitter. Criteria: Ambry Variant Classification Scheme 2023. Collection method: clinical testing. Allele origin: germline.
Comment: The p.K2162N variant (also known as c.6486A>C), located in coding exon 10 of the BRCA2 gene, results from an A to C substitution at nucleotide position 6486. The lysine at codon 2162 is replaced by asparagine, an amino acid with similar properties. This variant was not reported in population based cohorts in the following databases: Database of Single Nucleotide Polymorphisms (dbSNP), NHLBI Exome Sequencing Project (ESP), and 1000 Genomes Project. In the ESP, this variant was not observed in 6501 samples (13002 alleles) with coverage at this position. To date, this alteration has been detected with an allele frequency of approximately 0.0003% (greater than 300000 alleles tested) in our clinical cohort. This amino acid position is not well conserved in available vertebrate species. In addition, this alteration is predicted to be tolerated by in silico analysis. Since supporting evidence is limited at this time, the clinical significance of this alteration remains unclear.

NM_000059.4(BRCA2):c.6486A>C (p.Lys2162Asn)

Gene: BRCA2 (BRCA2 DNA repair associated; plus strand). Cytogenetic location: 13q13.1.
Variant type: single nucleotide variant.
Coding change: c.6486A>C on transcript NM_000059.4 (MANE Select); coding-DNA position 6486, A replaced by C.
Protein change: p.Lys2162Asn; replaces lysine 2162 with asparagine.
Molecular consequence: missense variant.
Genome position (GRCh38, 1-based): chr13:32,340,841, A>C. VCF-style: chr13-32340841-A-C. GRCh37 (hg19) VCF-style: chr13-32914978-A-C.
Other names: short protein forms K2162N.
Identifiers: ClinVar variation 441477 (VCV000441477.7), dbSNP rs751023453, ClinGen allele CA387789468.